The following is an entry in ClinVar:

ClinVar aggregate classification (germline): Uncertain significance (1 of 4 stars; one submission).

Submission:

GeneDx
Classification: Uncertain significance. Last evaluated: 2021-11-03. Review status: criteria provided, single submitter. Criteria: GeneDx Variant Classification Process June 2021. Collection method: clinical testing. Allele origin: germline. Affected: yes.
Comment: Not observed at significant frequency in large population cohorts (Lek et al., 2016); Has not been previously published as pathogenic or benign to our knowledge; In-silico analysis is inconclusive as to whether the variant alters gene splicing. In the absence of RNA/functional studies, the actual effect of this sequence change is unknown.

NM_001040142.2(SCN2A):c.268-5T>A

Gene: SCN2A (sodium voltage-gated channel alpha subunit 2; plus strand). Cytogenetic location: 2q24.3.
Variant type: single nucleotide variant.
Coding change: c.268-5T>A on transcript NM_001040142.2 (MANE Select); 5 bases into the intron before coding-DNA position 268, T replaced by A.
Molecular consequence: intron variant.
Genome position (GRCh38, 1-based): chr2:165,297,012, T>A. VCF-style: chr2-165297012-T-A. GRCh37 (hg19) VCF-style: chr2-166153522-T-A.
Other names: c.268-5T>A (NM_001040143.2, NM_001371246.1, NM_001371247.1 and 1 more transcripts).
Identifiers: ClinVar variation 1320610 (VCV001320610.2), dbSNP rs2106151084, ClinGen allele CA2573051690.
Genomic context (GRCh38, chr2:165,297,012, plus strand): 5'-TTCTCTTAAAATATTCTTAATATATATTCTAAGTTTTATTTTATGTGTTGTGTTTTCTTT[T>A]TCAGACGTTTATAGTATTGAATAAAGGGAAAGCAATCTCTCGATTCAGTGCCACCCCTGC-3'